The following is an entry in ClinVar:

NM_001035.3(RYR2):c.1279A>G (p.Asn427Asp)

Gene: RYR2 (ryanodine receptor 2; plus strand). Cytogenetic location: 1q43.
Variant type: single nucleotide variant.
Coding change: c.1279A>G on transcript NM_001035.3 (MANE Select); coding-DNA position 1279, A replaced by G.
Protein change: p.Asn427Asp; replaces asparagine 427 with aspartic acid.
Molecular consequence: missense variant.
Genome position (GRCh38, 1-based): chr1:237,445,509, A>G. VCF-style: chr1-237445509-A-G. GRCh37 (hg19) VCF-style: chr1-237608809-A-G.
Other names: short protein forms N427D.
Identifiers: ClinVar variation 4757559 (VCV004757559.1).

ClinVar aggregate classification (germline): Uncertain significance (1 of 4 stars; one submission).

Conditions:
Cardiomyopathy (CMYO). Also called: Cardiomyopathies. Identifiers: Orphanet 167848, MedGen C0878544, MONDO:0004994, HP:0001638. Inheritance: Various modes of inheritance.

Submission:

Color Diagnostics, LLC DBA Color Health
Classification: Uncertain significance for Cardiomyopathy. Last evaluated: 2025-06-30. Review status: criteria provided, single submitter. Criteria: ACMG Guidelines, 2015. Collection method: clinical testing. Allele origin: germline.
Comment: This missense variant replaces asparagine with aspartic acid at codon 427 of the RYR2 protein. Computational prediction is inconclusive regarding the impact of this variant on protein structure and function. To our knowledge, functional studies have not been reported for this variant. This variant has not been reported in individuals affected with RYR2-related disorders in the literature. This variant has not been identified in the general population by the Genome Aggregation Database (gnomAD). The available evidence is insufficient to determine the role of this variant in disease conclusively. Therefore, this variant is classified as a Variant of Uncertain Significance.